The following is an entry in ClinVar:

NM_001267550.2(TTN):c.13643A>G (p.Asp4548Gly)

Gene: TTN (titin; minus strand). Cytogenetic location: 2q31.2.
Variant type: single nucleotide variant.
Coding change: c.13643A>G on transcript NM_001267550.2 (MANE Select); coding-DNA position 13643, A replaced by G.
Protein change: p.Asp4548Gly; replaces aspartic acid 4548 with glycine.
Molecular consequence: missense variant. On other transcripts: intron variant (1).
Genome position (GRCh38, 1-based): chr2:178,739,590, T>C on the plus strand (A>G on the coding strand, the complement: TTN is on the minus strand). VCF-style: chr2-178739590-T-C. GRCh37 (hg19) VCF-style: chr2-179604317-T-C.
Other names: c.12692A>G, p.Asp4231Gly (NM_001256850.1); c.12554A>G, p.Asp4185Gly (NM_003319.4); c.12929A>G, p.Asp4310Gly (NM_133432.3); c.13130A>G, p.Asp4377Gly (NM_133437.4); c.10361-1230A>G (NM_133378.4); short protein forms D4185G, D4310G, D4377G, D4548G, D4231G.
Identifiers: ClinVar variation 1761609 (VCV001761609.3), dbSNP rs1428205157, ClinGen allele CA349607047.

ClinVar aggregate classification (germline): Uncertain significance. Review status: criteria provided, multiple submitters, no conflicts (2 of 4 stars). 2 submissions from 2 submitters: Uncertain significance (2). Last evaluated 2023-02-10.

Conditions:
Cardiovascular phenotype. Identifiers: MedGen CN230736.

Allele frequency attached by ClinVar (database versions not stated): gnomAD exomes 0.00001.
gnomAD v4.1: 10 of 1,613,854 alleles (0.00062%); highest among the groups gnomAD compares: Non-Finnish European, 0.00076%; no homozygotes.

Submissions (2):

GeneDx
Classification: Uncertain significance. Last evaluated: 2023-02-10. Review status: criteria provided, single submitter. Criteria: GeneDx Variant Classification Process June 2021. Collection method: clinical testing. Allele origin: germline. Affected: yes.
Comment: Not observed at significant frequency in large population cohorts (gnomAD); Missense variant in a gene in which most reported pathogenic variants are truncating/loss of function; Has not been previously published as pathogenic or benign to our knowledge

Ambry Genetics
Classification: Uncertain significance for Cardiovascular phenotype. Last evaluated: 2019-10-18. Review status: criteria provided, single submitter. Criteria: Ambry Variant Classification Scheme 2023. Collection method: clinical testing. Allele origin: germline.
Comment: The p.D4185G variant (also known as c.12554A>G), located in coding exon 44 of the TTN gene, results from an A to G substitution at nucleotide position 12554. The aspartic acid at codon 4185 is replaced by glycine, an amino acid with similar properties. This amino acid position is poorly conserved in available vertebrate species. In addition, this alteration is predicted to be tolerated by in silico analysis. Since supporting evidence is limited at this time, the clinical significance of this alteration remains unclear.